The following is an entry in ClinVar:

NM_001430.5(EPAS1):c.2595C>A (p.Ala865=)

Gene: EPAS1 (endothelial PAS domain protein 1; plus strand). Cytogenetic location: 2p21.
Variant type: single nucleotide variant.
Coding change: c.2595C>A on transcript NM_001430.5 (MANE Select); coding-DNA position 2595, C replaced by A.
Protein change: p.Ala865=; no amino-acid change (alanine 865 retained).
Molecular consequence: synonymous variant.
Genome position (GRCh38, 1-based): chr2:46,384,642, C>A. VCF-style: chr2-46384642-C-A. GRCh37 (hg19) VCF-style: chr2-46611781-C-A.
Identifiers: ClinVar variation 1793559 (VCV001793559.11), dbSNP rs770536207, ClinGen allele CA1645411.

ClinVar aggregate classification (germline): Likely benign. Review status: criteria provided, multiple submitters, no conflicts (2 of 4 stars). 3 submissions from 3 submitters: Likely benign (3). Last evaluated 2025-04-01.

Conditions:
Inborn genetic diseases. Identifiers: MedGen C0950123, MeSH D030342.

Allele frequency attached by ClinVar (database versions not stated): ExAC 0.00001; gnomAD exomes 0.00001; TOPMed 0.00001; gnomAD 0.00002.

Submissions (3):

CeGaT Center for Human Genetics Tuebingen
Classification: Likely benign. Last evaluated: 2025-04-01. Review status: criteria provided, single submitter. Criteria: CeGaT Center For Human Genetics Tuebingen Variant Classification Criteria Version 2. Collection method: clinical testing. Allele origin: germline. Affected: yes. Observed: 1 variant allele.
Comment: EPAS1: BP4, BP7

Labcorp Genetics (formerly Invitae), Labcorp
Classification: Likely benign. Last evaluated: 2024-11-24. Review status: criteria provided, single submitter. Criteria: Invitae Variant Classification Sherloc (09022015). Collection method: clinical testing. Allele origin: germline.

Ambry Genetics
Classification: Likely benign for Inborn genetic diseases. Last evaluated: 2022-04-07. Review status: criteria provided, single submitter. Criteria: Ambry Variant Classification Scheme 2023. Collection method: clinical testing. Allele origin: germline.